The following is an entry in ClinVar:

ClinVar aggregate classification (germline): Uncertain significance. Review status: criteria provided, multiple submitters, no conflicts (2 of 4 stars). 2 submissions from 2 submitters: Uncertain significance (2). Last evaluated 2025-03-25.

Conditions:
Cardiovascular phenotype. Identifiers: MedGen CN230736.
Dilated cardiomyopathy 1JJ (CMD1JJ). Identifiers: Orphanet 154, MedGen C3808935, MONDO:0014095, OMIM 615235.

Allele frequency attached by ClinVar (database versions not stated): gnomAD exomes below 0.00001; TOPMed below 0.00001; ExAC 0.00001; gnomAD 0.00001.
gnomAD v4.1: 3 of 1,611,138 alleles (0.00019%); highest among the groups gnomAD compares: South Asian, 0.0011%; no homozygotes.

Submissions (2):

Labcorp Genetics (formerly Invitae), Labcorp
Classification: Uncertain significance for Dilated cardiomyopathy 1JJ. Last evaluated: 2025-03-25. Review status: criteria provided, single submitter. Criteria: Invitae Variant Classification Sherloc (09022015). Collection method: clinical testing. Allele origin: germline.
Comment: This sequence change replaces tyrosine, which is neutral and polar, with phenylalanine, which is neutral and non-polar, at codon 555 of the LAMA4 protein (p.Tyr555Phe). The frequency data for this variant in the population databases is considered unreliable, as metrics indicate poor data quality at this position in the gnomAD database. This variant has not been reported in the literature in individuals affected with LAMA4-related conditions. ClinVar contains an entry for this variant (Variation ID: 1777544). Invitae Evidence Modeling of protein sequence and biophysical properties (such as structural, functional, and spatial information, amino acid conservation, physicochemical variation, residue mobility, and thermodynamic stability) has been performed for this missense variant. However, the output from this modeling did not meet the statistical confidence thresholds required to predict the impact of this variant on LAMA4 protein function. In summary, the available evidence is currently insufficient to determine the role of this variant in disease. Therefore, it has been classified as a Variant of Uncertain Significance.

Ambry Genetics
Classification: Uncertain significance for Cardiovascular phenotype. Last evaluated: 2024-11-17. Review status: criteria provided, single submitter. Criteria: Ambry Variant Classification Scheme 2023. Collection method: clinical testing. Allele origin: germline.
Comment: The p.Y555F variant (also known as c.1664A>T), located in coding exon 13 of the LAMA4 gene, results from an A to T substitution at nucleotide position 1664. The tyrosine at codon 555 is replaced by phenylalanine, an amino acid with highly similar properties. This amino acid position is conserved. In addition, this alteration is predicted to be tolerated by in silico analysis. Since supporting evidence is limited at this time, the clinical significance of this alteration remains unclear.

NM_001105206.3(LAMA4):c.1685A>T (p.Tyr562Phe)

Gene: LAMA4 (laminin subunit alpha 4; minus strand). Cytogenetic location: 6q21.
Variant type: single nucleotide variant.
Coding change: c.1685A>T on transcript NM_001105206.3 (MANE Select); coding-DNA position 1685, A replaced by T.
Protein change: p.Tyr562Phe; replaces tyrosine 562 with phenylalanine.
Molecular consequence: missense variant.
Genome position (GRCh38, 1-based): chr6:112,158,864, T>A on the plus strand (A>T on the coding strand, the complement: LAMA4 is on the minus strand). VCF-style: chr6-112158864-T-A. GRCh37 (hg19) VCF-style: chr6-112480066-T-A.
Other names: c.1664A>T, p.Tyr555Phe (NM_001105207.3, NM_002290.5); short protein forms Y555F, Y562F.
Identifiers: ClinVar variation 1777544 (VCV001777544.4), dbSNP rs782710021, ClinGen allele CA3965699.